The following is an entry in ClinVar:

ClinVar aggregate classification (germline): Conflicting classifications of pathogenicity. Review status: criteria provided, conflicting classifications (1 of 4 stars). 3 submissions from 3 submitters: Uncertain significance (1); Benign (1); Likely benign (1). Last evaluated 2025-12-20.

Conditions:
Hereditary cancer-predisposing syndrome. Also called: Neoplastic Syndromes, Hereditary; Tumor predisposition; Hereditary Cancer Syndrome; Hereditary neoplastic syndrome. Identifiers: Orphanet 140162, MedGen C0027672, MeSH D009386, MONDO:0015356.
Hereditary breast ovarian cancer syndrome. Also called: Hereditary breast and ovarian cancer; Hereditary breast and ovarian cancer syndrome (HBOC); BRCA1- and BRCA2-Associated Hereditary Breast and Ovarian Cancer; Hereditary breast and ovarian cancer syndrome; Hereditary breast and/or ovarian cancer syndrome; Breast and ovarian cancer. Identifiers: Orphanet 145, MedGen C0677776, MeSH D061325, MONDO:0003582. Disease mechanism: loss of function.

Allele frequency attached by ClinVar (database versions not stated): gnomAD exomes below 0.00001.
gnomAD v4.1: 1 of 1,609,968 alleles (0.000062%); highest among the groups gnomAD compares: Non-Finnish European, 0.000085%; no homozygotes.

Submissions (3):

Labcorp Genetics (formerly Invitae), Labcorp
Classification: Uncertain significance for Hereditary breast ovarian cancer syndrome. Last evaluated: 2025-12-20. Review status: criteria provided, single submitter. Criteria: Invitae Variant Classification Sherloc (09022015). Collection method: clinical testing. Allele origin: germline.
Comment: This sequence change replaces proline, which is neutral and non-polar, with serine, which is neutral and polar, at codon 836 of the BRCA2 protein (p.Pro836Ser). This variant is not present in population databases (gnomAD no frequency). This missense change has been observed in individual(s) with BRCA2-related conditions (PMID: 21520333). ClinVar contains an entry for this variant (Variation ID: 639525). Invitae Evidence Modeling of protein sequence and biophysical properties (such as structural, functional, and spatial information, amino acid conservation, physicochemical variation, residue mobility, and thermodynamic stability) indicates that this missense variant is not expected to disrupt BRCA2 protein function with a negative predictive value of 95%. In summary, the available evidence is currently insufficient to determine the role of this variant in disease. Therefore, it has been classified as a Variant of Uncertain Significance.

Ambry Genetics
Classification: Benign for Hereditary cancer-predisposing syndrome. Last evaluated: 2023-11-20. Review status: criteria provided, single submitter. Criteria: Ambry Variant Classification Scheme 2023. Collection method: clinical testing. Allele origin: germline.

University of Washington Department of Laboratory Medicine, University of Washington
Classification: Likely benign for Hereditary cancer-predisposing syndrome. Last evaluated: 2023-03-23. Review status: criteria provided, single submitter. Criteria: Dines et al. (Genet Med. 2020). Collection method: curation. Allele origin: germline.
Comment: Missense variant in a coldspot region where missense variants are very unlikely to be pathogenic (PMID:31911673).

BRCA2 exon 11 coldspot. Reclassification based on statistical prior probability.

Literature cited by the submitters: PubMed 21520333 (cited by Labcorp Genetics (formerly Invitae), Labcorp).

NM_000059.4(BRCA2):c.2506C>T (p.Pro836Ser)

Gene: BRCA2 (BRCA2 DNA repair associated; plus strand). Cytogenetic location: 13q13.1.
Variant type: single nucleotide variant.
Coding change: c.2506C>T on transcript NM_000059.4 (MANE Select); coding-DNA position 2506, C replaced by T.
Protein change: p.Pro836Ser; replaces proline 836 with serine.
Molecular consequence: missense variant.
Genome position (GRCh38, 1-based): chr13:32,336,861, C>T. VCF-style: chr13-32336861-C-T. GRCh37 (hg19) VCF-style: chr13-32910998-C-T.
Other names: short protein forms P836S.
Identifiers: ClinVar variation 639525 (VCV000639525.12), dbSNP rs1593897105, ClinGen allele CA387772435.